The following is an entry in ClinVar:

ClinVar aggregate classification (germline): Uncertain significance (1 of 4 stars; one submission).

Conditions:
Breast-ovarian cancer, familial, susceptibility to, 2 (BROVCA2). Also called: BRCA2 Hereditary Breast and Ovarian Cancer. Identifiers: Orphanet 145, MedGen C2675520, MONDO:0012933, OMIM 612555. Disease mechanism: loss of function.

Submission:

All of Us Research Program, National Institutes of Health
Classification: Uncertain significance for Breast-ovarian cancer, familial, susceptibility to, 2. Last evaluated: 2023-09-04. Review status: criteria provided, single submitter. Criteria: ACMG Guidelines, 2015. Collection method: clinical testing. Allele origin: germline. Inheritance: Autosomal dominant inheritance. Observed: 1 variant allele, 1 heterozygote.
Comment: This variant causes a C to G nucleotide substitution at the -15 position of intron 21 of the BRCA2 gene. To our knowledge, RNA studies have not been reported for this variant. This variant has not been reported in individuals affected with BRCA2-related disorders in the literature. This variant has not been identified in the general population by the Genome Aggregation Database (gnomAD). The available evidence is insufficient to determine the role of this variant in disease conclusively. Therefore, this variant is classified as a Variant of Uncertain Significance.

This study involves interpretation of variants in research participants for the purpose of population health screening. Participant phenotype was not available at the time of variant classification. Additional details can be found in publication PMID: 35346344, PMCID: PMC8962531

NM_000059.4(BRCA2):c.8755-15C>G

Gene: BRCA2 (BRCA2 DNA repair associated; plus strand). Cytogenetic location: 13q13.1.
Variant type: single nucleotide variant.
Coding change: c.8755-15C>G on transcript NM_000059.4 (MANE Select); 15 bases into the intron before coding-DNA position 8755, C replaced by G.
Molecular consequence: intron variant.
Genome position (GRCh38, 1-based): chr13:32,379,302, C>G. VCF-style: chr13-32379302-C-G. GRCh37 (hg19) VCF-style: chr13-32953439-C-G.
Other names: c.8755-15C>G (NM_001406720.1); c.8659-15C>G (NM_001406719.1); c.3823-15C>G (NM_001406721.1); c.2338-15C>G (NM_001406722.1).
Identifiers: ClinVar variation 3073334 (VCV003073334.1), dbSNP rs2137618737, ClinGen allele CA2727919242.